The following is an entry in ClinVar:

NM_001277115.2(DNAH11):c.2000del (p.Ala666_Leu667insTer)

Gene: DNAH11 (dynein axonemal heavy chain 11; plus strand). Cytogenetic location: 7p15.3.
Variant type: Deletion.
Coding change: c.2000del on transcript NM_001277115.2 (MANE Select); coding-DNA position 2000, one base deleted (T; older notation c.2000delT).
Protein change: p.Ala666_Leu667insTer.
Molecular consequence: nonsense. On other transcripts: frameshift variant (1).
Genome position (GRCh38, 1-based): chr7:21,589,234, T deleted; the last of 3 consecutive T bases (chr7:21,589,232-21,589,234); deleting any one gives the same sequence. VCF-style (leftmost placement, unchanged base first): chr7-21589231-CT-C. GRCh37 (hg19) VCF-style: chr7-21628849-CT-C.
Other names: c.2000delT, p.Leu667Terfs (NM_003777.3).
Identifiers: ClinVar variation 2859287 (VCV002859287.3), dbSNP rs2534588927, ClinGen allele CA2578842541.

ClinVar aggregate classification (germline): Pathogenic (1 of 4 stars; one submission).

Conditions:
Primary ciliary dyskinesia. Also called: Ciliary dyskinesia. Identifiers: Orphanet 244, MedGen C0008780, MONDO:0016575, HP:0012265.

Submission:

Labcorp Genetics (formerly Invitae), Labcorp
Classification: Pathogenic for Primary ciliary dyskinesia. Last evaluated: 2023-11-10. Review status: criteria provided, single submitter. Criteria: Invitae Variant Classification Sherloc (09022015). Collection method: clinical testing. Allele origin: germline.
Comment: This sequence change creates a premature translational stop signal (p.Leu667*) in the DNAH11 gene. It is expected to result in an absent or disrupted protein product. Loss-of-function variants in DNAH11 are known to be pathogenic (PMID: 18022865, 20513915, 22184204). This variant is not present in population databases (gnomAD no frequency). This variant has not been reported in the literature in individuals affected with DNAH11-related conditions. Algorithms developed to predict the effect of sequence changes on RNA splicing suggest that this variant may disrupt the consensus splice site. For these reasons, this variant has been classified as Pathogenic.

Literature cited by the submitters: PubMed 18022865; PubMed 20513915; PubMed 22184204.